The following is an entry in ClinVar:

ClinVar aggregate classification (germline): Uncertain significance. Review status: criteria provided, multiple submitters, no conflicts (2 of 4 stars). 2 submissions from 2 submitters: Uncertain significance (2). Last evaluated 2022-08-08.

Conditions:
Inborn genetic diseases. Identifiers: MedGen C0950123, MeSH D030342.
Early-onset Parkinson disease 20. Also called: PARKINSON DISEASE 20, AUTOSOMAL RECESSIVE EARLY-ONSET. Identifiers: Orphanet 391411, MedGen C3809824, MONDO:0014233, OMIM 615530.
Developmental and epileptic encephalopathy, 53. Also called: Epileptic encephalopathy, early infantile, 53. Identifiers: MedGen C4479313, MONDO:0033362, OMIM 617389.

Allele frequency attached by ClinVar (database versions not stated): TOPMed below 0.00001; gnomAD 0.00001.
gnomAD v4.1: 1 of 1,613,736 alleles (0.000062%); highest among the groups gnomAD compares: Non-Finnish European, 0.000085%; no homozygotes.

Submissions (2):

Ambry Genetics
Classification: Uncertain significance for Inborn genetic diseases. Last evaluated: 2022-08-08. Review status: criteria provided, single submitter. Criteria: Ambry Variant Classification Scheme 2023. Collection method: clinical testing. Allele origin: germline.

Labcorp Genetics (formerly Invitae), Labcorp
Classification: Uncertain significance for Developmental and epileptic encephalopathy, 53; Early-onset Parkinson disease 20. Last evaluated: 2021-02-25. Review status: criteria provided, single submitter. Criteria: Invitae Variant Classification Sherloc (09022015). Collection method: clinical testing. Allele origin: germline.
Comment: In summary, the available evidence is currently insufficient to determine the role of this variant in disease. Therefore, it has been classified as a Variant of Uncertain Significance. Algorithms developed to predict the effect of sequence changes on RNA splicing suggest that this variant may create or strengthen a splice site, but this prediction has not been confirmed by published transcriptional studies. Algorithms developed to predict the effect of missense changes on protein structure and function (SIFT, PolyPhen-2, Align-GVGD) all suggest that this variant is likely to be tolerated, but these predictions have not been confirmed by published functional studies and their clinical significance is uncertain. This variant has not been reported in the literature in individuals with SYNJ1-related conditions. This variant is not present in population databases (ExAC no frequency). This sequence change replaces proline with alanine at codon 1200 of the SYNJ1 protein (p.Pro1200Ala). The proline residue is weakly conserved and there is a small physicochemical difference between proline and alanine.

NM_203446.3(SYNJ1):c.3481C>G (p.Pro1161Ala)

Gene: SYNJ1 (synaptojanin 1; minus strand). Cytogenetic location: 21q22.11.
Variant type: single nucleotide variant.
Coding change: c.3481C>G on transcript NM_203446.3 (MANE Select); coding-DNA position 3481, C replaced by G.
Protein change: p.Pro1161Ala; replaces proline 1161 with alanine.
Molecular consequence: missense variant. On other transcripts: intron variant (1).
Genome position (GRCh38, 1-based): chr21:32,642,131, G>C on the plus strand (C>G on the coding strand, the complement: SYNJ1 is on the minus strand). VCF-style: chr21-32642131-G-C. GRCh37 (hg19) VCF-style: chr21-34014441-G-C.
Other names: c.3433C>G, p.Pro1145Ala (NM_001160302.2); c.3598C>G, p.Pro1200Ala (NM_003895.4); c.3377-165C>G (NM_001160306.2); short protein forms P1161A, P1145A, P1200A.
Identifiers: ClinVar variation 950300 (VCV000950300.9), dbSNP rs1473250864, ClinGen allele CA410066417.